The following is an entry in ClinVar:

NM_001365999.1(SZT2):c.2437A>C (p.Ser813Arg)

Gene: SZT2 (SZT2 subunit of KICSTOR complex; plus strand). Cytogenetic location: 1p34.2.
Variant type: single nucleotide variant.
Coding change: c.2437A>C on transcript NM_001365999.1 (MANE Select); coding-DNA position 2437, A replaced by C.
Protein change: p.Ser813Arg; replaces serine 813 with arginine.
Molecular consequence: missense variant.
Genome position (GRCh38, 1-based): chr1:43,424,398, A>C. VCF-style: chr1-43424398-A-C. GRCh37 (hg19) VCF-style: chr1-43890069-A-C.
Other names: c.2437A>C, p.Ser813Arg (NM_015284.4); short protein forms S813R.
Identifiers: ClinVar variation 4074566 (VCV004074566.1).

ClinVar aggregate classification (germline): Uncertain significance (1 of 4 stars; one submission).

Submission:

GeneDx
Classification: Uncertain significance. Last evaluated: 2025-02-11. Review status: criteria provided, single submitter. Criteria: GeneDx Variant Classification Process June 2021. Collection method: clinical testing. Allele origin: germline. Affected: yes.
Comment: Not observed at significant frequency in large population cohorts (gnomAD); In silico analysis indicates that this missense variant does not alter protein structure/function; Has not been previously published as pathogenic or benign to our knowledge